The following is an entry in ClinVar:

NM_153487.4(MDGA1):c.2649C>T (p.Ser883=)

Gene: MDGA1 (MAM domain containing glycosylphosphatidylinositol anchor 1; minus strand). Cytogenetic location: 6p21.2.
Variant type: single nucleotide variant.
Coding change: c.2649C>T on transcript NM_153487.4 (MANE Select); coding-DNA position 2649, C replaced by T.
Protein change: p.Ser883=; no amino-acid change (serine 883 retained).
Molecular consequence: synonymous variant.
Genome position (GRCh38, 1-based): chr6:37,638,555, G>A on the plus strand (C>T on the coding strand, the complement: MDGA1 is on the minus strand). VCF-style: chr6-37638555-G-A. GRCh37 (hg19) VCF-style: chr6-37606331-G-A.
Identifiers: ClinVar variation 2656526 (VCV002656526.24), dbSNP rs201772848, ClinGen allele CA3786160.

ClinVar aggregate classification (germline): Likely benign (1 of 4 stars; one submission).

Allele frequency attached by ClinVar (database versions not stated): 1000 Genomes Project 30x 0.00047; 1000 Genomes Project 0.00060; TOPMed 0.00068; gnomAD 0.00082; ESP Exome Variant Server 0.00090; gnomAD exomes 0.00123; ExAC 0.00215.
gnomAD v4.1: 1,961 of 1,613,972 alleles (0.12%); highest among the groups gnomAD compares: Middle Eastern, 0.99%; 21 homozygotes.

Submission:

CeGaT Center for Human Genetics Tuebingen
Classification: Likely benign. Last evaluated: 2023-01-01. Review status: criteria provided, single submitter. Criteria: CeGaT Center For Human Genetics Tuebingen Variant Classification Criteria Version 2. Collection method: clinical testing. Allele origin: germline. Affected: yes. Observed: 1 variant allele.
Comment: MDGA1: BP4, BS2